The following is an entry in ClinVar:

NM_000545.8(HNF1A):c.399_405del (p.Val134fs)

Gene: HNF1A (HNF1 homeobox A; plus strand). Cytogenetic location: 12q24.31.
Variant type: Deletion.
Coding change: c.399_405del on transcript NM_000545.8 (MANE Select); coding-DNA positions 399 to 405, 7 bases deleted (GGTCGAT; older notation c.399_405delGGTCGAT).
Protein change: p.Val134fs; shifts the reading frame from valine 134.
Molecular consequence: frameshift variant.
Genome position (GRCh38, 1-based): chr12:120,988,905-120,988,911, GGTCGAT deleted; deleting any 7 consecutive bases within chr12:120,988,904-120,988,911 gives the same sequence; the c. name uses the placement nearest the transcript's 3' end. VCF-style (leftmost placement, unchanged base first): chr12-120988903-GTGGTCGA-G. GRCh37 (hg19) VCF-style: chr12-121426706-GTGGTCGA-G.
Other names: NM_001306179.2:c.399_405del; c.399_405del, p.Val134fs (NM_001306179.2); short protein forms V134fs.
Identifiers: ClinVar variation 1693220 (VCV001693220.1), dbSNP rs2135832615, ClinGen allele CA2573051300.

ClinVar aggregate classification (germline): Likely pathogenic (3 of 4 stars; one submission).

Conditions:
Monogenic diabetes. Identifiers: Orphanet 183625, MedGen C3888631, MONDO:0015967.

Submission:

ClinGen Monogenic Diabetes Variant Curation Expert Panel
Classification: Likely pathogenic for Monogenic diabetes. Last evaluated: 2022-06-24. Review status: reviewed by expert panel. Criteria: ClinGen Diabetes ACMG Specifications v1 1. Collection method: curation. Allele origin: germline. Inheritance: Autosomal dominant inheritance.
Comment: The c.399_405del variant in the HNF1 Homeobox A gene, HNF1A, causes a frameshift in the protein at codon 134 of NM_000545.8, adding 19 novel amino acids before encountering a stop codon (p.(Val134ProfsTer19)). This variant, located in biologically-relevant exon 2 of 10, is predicted to lead to nonsense mediated decay in a gene in which loss-of-function is an established disease mechanism (PVS1; PMID: 23348805). This variant in absent in gnomAD v2.1.1 (PM2_Supporting). In summary, the c.399_405del variant meets the criteria to be classified as likely pathogenic for monogenic diabetes. ACMG/AMP criteria applied, as specified by the ClinGen MDEP (specification version 1.1, approved 9/30/21): PVS1, PM2_Supporting.